The following is an entry in ClinVar:

NM_001077365.2(POMT1):c.1038del (p.Phe347fs)

Gene: POMT1 (protein O-mannosyltransferase 1; plus strand). Cytogenetic location: 9q34.13.
Variant type: Deletion.
Coding change: c.1038del on transcript NM_001077365.2 (MANE Select); coding-DNA position 1038, one base deleted (C; older notation c.1038delC).
Protein change: p.Phe347fs; shifts the reading frame from phenylalanine 347.
Molecular consequence: frameshift variant. On other transcripts: 5 prime UTR variant (1), non-coding transcript variant (10), intron variant (1).
Genome position (GRCh38, 1-based): chr9:131,512,092, C deleted; the last of 4 consecutive C bases (chr9:131,512,089-131,512,092); deleting any one gives the same sequence. VCF-style (leftmost placement, unchanged base first): chr9-131512088-AC-A. GRCh37 (hg19) VCF-style: chr9-134387475-AC-A.
Other names: c.876del, p.Phe293fs (NM_001077366.2, NM_001353194.2); c.1038del, p.Phe347fs (NM_001136113.2, NM_001374690.1); c.687del, p.Phe230fs (NM_001136114.2, NM_001353195.2, NM_001374691.1 and 1 more transcripts); c.1104del, p.Phe369fs (NM_001353193.2, NM_007171.4); c.948del, p.Phe317fs (NM_001353196.2); c.942del, p.Phe315fs (NM_001353197.2, NM_001353198.2); c.753del, p.Phe252fs (NM_001353199.2); c.582del, p.Phe195fs (NM_001353200.2); and 4 more; short protein forms F217fs, F293fs, F315fs, F369fs, F343fs, F347fs, F195fs, F230fs.
Identifiers: ClinVar variation 2925452 (VCV002925452.3), dbSNP rs757761868, ClinGen allele CA5293503.

ClinVar aggregate classification (germline): Pathogenic (1 of 4 stars; one submission).

Conditions:
Walker-Warburg congenital muscular dystrophy. Also called: Muscular dystrophy-dystroglycanopathy, type A; Walker-Warburg syndrome. Identifiers: Orphanet 899, MedGen C0265221, MONDO:0000171.
Muscular dystrophy-dystroglycanopathy (congenital with impaired intellectual development), type B, 1. Also called: MUSCULAR DYSTROPHY, CONGENITAL, POMT1-RELATED; Muscular dystrophy-dystroglycanopathy (congenital with intellectual disability), type B1. Identifiers: MedGen C5436962, MONDO:0013159, OMIM 613155.
Autosomal recessive limb-girdle muscular dystrophy type 2K. Also called: MUSCULAR DYSTROPHY-DYSTROGLYCANOPATHY (LIMB-GIRDLE), TYPE C, 1; MUSCULAR DYSTROPHY, LIMB-GIRDLE, TYPE 2K. Identifiers: Orphanet 86812, MedGen C1836373, MONDO:0012248, OMIM 609308.

Submission:

Labcorp Genetics (formerly Invitae), Labcorp
Classification: Pathogenic for Muscular dystrophy-dystroglycanopathy (congenital with impaired intellectual development), type B, 1; Walker-Warburg congenital muscular dystrophy; Autosomal recessive limb-girdle muscular dystrophy type 2K. Last evaluated: 2023-09-23. Review status: criteria provided, single submitter. Criteria: Invitae Variant Classification Sherloc (09022015). Collection method: clinical testing. Allele origin: germline.
Comment: This variant is present in population databases (rs757761868, gnomAD 0.003%). This premature translational stop signal has been observed in individual(s) with Walker-Warburg syndrome (PMID: 16575835). For these reasons, this variant has been classified as Pathogenic. This sequence change creates a premature translational stop signal (p.Phe369Serfs*10) in the POMT1 gene. It is expected to result in an absent or disrupted protein product. Loss-of-function variants in POMT1 are known to be pathogenic (PMID: 12369018, 15637732, 16575835).

Literature cited by the submitters: PubMed 16575835; PubMed 12369018; PubMed 15637732.